The following is an entry in ClinVar:

NM_000059.4(BRCA2):c.1064T>G (p.Val355Gly)

Gene: BRCA2 (BRCA2 DNA repair associated; plus strand). Cytogenetic location: 13q13.1.
Variant type: single nucleotide variant.
Coding change: c.1064T>G on transcript NM_000059.4 (MANE Select); coding-DNA position 1064, T replaced by G.
Protein change: p.Val355Gly; replaces valine 355 with glycine.
Molecular consequence: missense variant.
Genome position (GRCh38, 1-based): chr13:32,332,542, T>G. VCF-style: chr13-32332542-T-G. GRCh37 (hg19) VCF-style: chr13-32906679-T-G.
Other names: c.1064T>G, p.Val355Gly (NM_001406719.1, NM_001406720.1, NM_001406721.1); short protein forms V355G.
Identifiers: ClinVar variation 1781338 (VCV001781338.7), dbSNP rs1593891845, ClinGen allele CA387761366.

ClinVar aggregate classification (germline): Conflicting classifications of pathogenicity. Review status: criteria provided, conflicting classifications (1 of 4 stars). 3 submissions from 3 submitters: Uncertain significance (2); Likely benign (1). Last evaluated 2023-03-23.

Conditions:
Hereditary cancer-predisposing syndrome. Also called: Neoplastic Syndromes, Hereditary; Tumor predisposition; Hereditary Cancer Syndrome; Hereditary neoplastic syndrome. Identifiers: Orphanet 140162, MedGen C0027672, MeSH D009386, MONDO:0015356.
Hereditary breast ovarian cancer syndrome. Also called: Hereditary breast and ovarian cancer; Hereditary breast and ovarian cancer syndrome; Breast and ovarian cancer; Hereditary breast and/or ovarian cancer syndrome; BRCA1- and BRCA2-Associated Hereditary Breast and Ovarian Cancer; Hereditary breast and ovarian cancer syndrome (HBOC). Identifiers: Orphanet 145, MedGen C0677776, MeSH D061325, MONDO:0003582. Disease mechanism: loss of function.

Submissions (3):

University of Washington Department of Laboratory Medicine, University of Washington
Classification: Likely benign for Hereditary cancer-predisposing syndrome. Last evaluated: 2023-03-23. Review status: criteria provided, single submitter. Criteria: Dines et al. (Genet Med. 2020). Collection method: curation. Allele origin: germline.
Comment: Missense variant in a coldspot region where missense variants are very unlikely to be pathogenic (PMID:31911673).

BRCA2 exon 10 coldspot. Reclassification based on statistical prior probability.

Labcorp Genetics (formerly Invitae), Labcorp
Classification: Uncertain significance for Hereditary breast ovarian cancer syndrome. Last evaluated: 2022-11-18. Review status: criteria provided, single submitter. Criteria: Invitae Variant Classification Sherloc (09022015). Collection method: clinical testing. Allele origin: germline.
Comment: This variant is not present in population databases (gnomAD no frequency). This variant has not been reported in the literature in individuals affected with BRCA2-related conditions. Advanced modeling of protein sequence and biophysical properties (such as structural, functional, and spatial information, amino acid conservation, physicochemical variation, residue mobility, and thermodynamic stability) performed at Invitae indicates that this missense variant is not expected to disrupt BRCA2 protein function. In summary, the available evidence is currently insufficient to determine the role of this variant in disease. Therefore, it has been classified as a Variant of Uncertain Significance. This sequence change replaces valine, which is neutral and non-polar, with glycine, which is neutral and non-polar, at codon 355 of the BRCA2 protein (p.Val355Gly).

Ambry Genetics
Classification: Uncertain significance for Hereditary cancer-predisposing syndrome. Last evaluated: 2022-06-01. Review status: criteria provided, single submitter. Criteria: Ambry Variant Classification Scheme 2023. Collection method: clinical testing. Allele origin: germline.
Comment: The p.V355G variant (also known as c.1064T>G), located in coding exon 9 of the BRCA2 gene, results from a T to G substitution at nucleotide position 1064. The valine at codon 355 is replaced by glycine, an amino acid with dissimilar properties. This amino acid position is not well conserved in available vertebrate species. In addition, this alteration is predicted to be tolerated by in silico analysis. Since supporting evidence is limited at this time, the clinical significance of this alteration remains unclear.